The following is an entry in ClinVar:

NM_001025295.3(IFITM5):c.191G>A (p.Arg64Gln)

Genes: IFITM5 (interferon induced transmembrane protein 5; minus strand), LOC130005046 (ATAC-STARR-seq lymphoblastoid active region 4259; plus strand). Cytogenetic location: 11p15.5.
Variant type: single nucleotide variant.
Coding change: c.191G>A on transcript NM_001025295.3 (MANE Select); coding-DNA position 191, G replaced by A.
Protein change: p.Arg64Gln; replaces arginine 64 with glutamine.
Molecular consequence: missense variant.
Genome position (GRCh38, 1-based): chr11:298,709, C>T on the plus strand (G>A on the coding strand, the complement: IFITM5 is on the minus strand). VCF-style: chr11-298709-C-T. GRCh37 (hg19) VCF-style: chr11-298709-C-T.
Other names: c.191G>A (NM_001025295.1, NM_001025295.2); short protein forms R64Q.
Identifiers: ClinVar variation 2704259 (VCV002704259.5), dbSNP rs148174338, ClinGen allele CA5773428.

ClinVar aggregate classification (germline): Conflicting classifications of pathogenicity. Review status: criteria provided, conflicting classifications (1 of 4 stars). 3 submissions from 3 submitters: Uncertain significance (2); Likely benign (1). Last evaluated 2025-12-03.

Conditions:
Inborn genetic diseases. Identifiers: MedGen C0950123, MeSH D030342.

Allele frequency attached by ClinVar (database versions not stated): gnomAD 0.00005; ExAC 0.00013; ESP Exome Variant Server 0.00015; TOPMed 0.00006; 1000 Genomes Project 0.00040; 1000 Genomes Project 30x 0.00062.

Submissions (3):

Labcorp Genetics (formerly Invitae), Labcorp
Classification: Likely benign. Last evaluated: 2025-12-03. Review status: criteria provided, single submitter. Criteria: Invitae Variant Classification Sherloc (09022015). Collection method: clinical testing. Allele origin: germline.

GeneDx
Classification: Uncertain significance. Last evaluated: 2024-04-10. Review status: criteria provided, single submitter. Criteria: GeneDx Variant Classification Process June 2021. Collection method: clinical testing. Allele origin: germline. Affected: yes.
Comment: In silico analysis supports that this missense variant has a deleterious effect on protein structure/function; Has not been previously published as pathogenic or benign to our knowledge

Ambry Genetics
Classification: Uncertain significance for Inborn genetic diseases. Last evaluated: 2022-11-09. Review status: criteria provided, single submitter. Criteria: Ambry Variant Classification Scheme 2023. Collection method: clinical testing. Allele origin: germline.